The following is an entry in ClinVar:

ClinVar aggregate classification (germline): Uncertain significance (1 of 4 stars; one submission).

Submission:

Labcorp Genetics (formerly Invitae), Labcorp
Classification: Uncertain significance. Last evaluated: 2025-06-06. Review status: criteria provided, single submitter. Criteria: Invitae Variant Classification Sherloc (09022015). Collection method: clinical testing. Allele origin: germline.
Comment: This sequence change creates a premature translational stop signal (p.Leu63Profs*40) in the ZNF408 gene. It is expected to result in an absent or disrupted protein product. However, the current clinical and genetic evidence is not sufficient to establish whether loss-of-function variants in ZNF408 cause disease. This variant is present in population databases (no rsID available, gnomAD 0.0009%). This variant has not been reported in the literature in individuals affected with ZNF408-related conditions. In summary, the available evidence is currently insufficient to determine the role of this variant in disease. Therefore, it has been classified as a Variant of Uncertain Significance.

NM_024741.3(ZNF408):c.188_194del (p.Leu63fs)

Gene: ZNF408 (zinc finger protein 408; plus strand). Cytogenetic location: 11p11.2.
Variant type: Microsatellite.
Coding change: c.188_194del on transcript NM_024741.3 (MANE Select); coding-DNA positions 188 to 194, 7 bases deleted (TTGGCCC; older notation c.188_194delTTGGCCC).
Protein change: p.Leu63fs; shifts the reading frame from leucine 63.
Molecular consequence: frameshift variant.
Genome position (GRCh38, 1-based): chr11:46,701,534-46,701,540, TTGGCCC deleted; deleting any 7 consecutive bases within chr11:46,701,526-46,701,540 gives the same sequence; the c. name uses the placement nearest the transcript's 3' end. VCF-style (leftmost placement, unchanged base first): chr11-46701525-GCTTGGCC-G. GRCh37 (hg19) VCF-style: chr11-46723075-GCTTGGCC-G.
Other names: c.164_170del, p.Leu55fs (NM_001184751.2); short protein forms L55fs, L63fs.
Identifiers: ClinVar variation 3626276 (VCV003626276.2).